The following is an entry in ClinVar:

ClinVar aggregate classification (germline): Uncertain significance. Review status: criteria provided, multiple submitters, no conflicts (2 of 4 stars). 2 submissions from 2 submitters: Uncertain significance (2). Last evaluated 2025-08-28.

Conditions:
Inborn genetic diseases. Identifiers: MedGen C0950123, MeSH D030342.

Allele frequency attached by ClinVar (database versions not stated): ESP Exome Variant Server 0.00008; gnomAD 0.00009; TOPMed 0.00010; gnomAD exomes 0.00013 and 0.00024; ExAC 0.00020.
gnomAD v4.1: 361 of 1,613,260 alleles (0.022%); highest among the groups gnomAD compares: Non-Finnish European, 0.029%; no homozygotes.

Submissions (2):

GeneDx
Classification: Uncertain significance. Last evaluated: 2025-08-28. Review status: criteria provided, single submitter. Criteria: GeneDx Variant Classification Process June 2021. Collection method: clinical testing. Allele origin: germline. Affected: yes.
Comment: In silico analysis supports that this missense variant has a deleterious effect on protein structure/function; Has not been previously published as pathogenic or benign to our knowledge

Ambry Genetics
Classification: Uncertain significance for Inborn genetic diseases. Last evaluated: 2025-07-31. Review status: criteria provided, single submitter. Criteria: Ambry Variant Classification Scheme 2023. Collection method: clinical testing. Allele origin: germline.

NM_001277062.2(MFF):c.275G>A (p.Arg92His)

Gene: MFF (mitochondrial fission factor; plus strand). Cytogenetic location: 2q36.3.
Variant type: single nucleotide variant.
Coding change: c.275G>A on transcript NM_001277062.2 (MANE Select); coding-DNA position 275, G replaced by A.
Protein change: p.Arg92His; replaces arginine 92 with histidine.
Molecular consequence: missense variant. On other transcripts: non-coding transcript variant (1).
Genome position (GRCh38, 1-based): chr2:227,332,512, G>A. VCF-style: chr2-227332512-G-A. GRCh37 (hg19) VCF-style: chr2-228197228-G-A.
Other names: c.353G>A (NM_020194.4); c.353G>A, p.Arg118His (NM_001277061.2, NM_020194.5); c.275G>A, p.Arg92His (NM_001277063.2, NM_001277064.2, NM_001277065.2 and 2 more transcripts); c.125G>A, p.Arg42His (NM_001277067.1); short protein forms R118H, R42H, R92H.
Identifiers: ClinVar variation 1214248 (VCV001214248.9), dbSNP rs368093027, ClinGen allele CA2147857.